The following is an entry in ClinVar:

NM_002016.2(FLG):c.7774C>A (p.His2592Asn)

Genes: CCDST (cervical cancer associated DHX9 suppressive transcript; plus strand), FLG (filaggrin; minus strand). Cytogenetic location: 1q21.3.
Variant type: single nucleotide variant.
Coding change: c.7774C>A on transcript NM_002016.2 (MANE Select); coding-DNA position 7774, C replaced by A.
Protein change: p.His2592Asn; replaces histidine 2592 with asparagine.
Molecular consequence: missense variant.
Genome position (GRCh38, 1-based): chr1:152,307,112, G>T on the plus strand (C>A on the coding strand, the complement: FLG is on the minus strand). VCF-style: chr1-152307112-G-T. GRCh37 (hg19) VCF-style: chr1-152279588-G-T.
Other names: short protein forms H2592N.
Identifiers: ClinVar variation 3250563 (VCV003250563.18), dbSNP rs200339029.

ClinVar aggregate classification (germline): Likely benign (1 of 4 stars; one submission).

Allele frequency attached by ClinVar (database versions not stated): gnomAD exomes 0.00024; gnomAD 0.00029; ExAC 0.00030; TOPMed 0.00030; ESP Exome Variant Server 0.00031.
gnomAD v4.1: 401 of 1,611,740 alleles (0.025%); highest among the groups gnomAD compares: Middle Eastern, 0.13%; no homozygotes.

Submission:

CeGaT Center for Human Genetics Tuebingen
Classification: Likely benign. Last evaluated: 2024-06-01. Review status: criteria provided, single submitter. Criteria: CeGaT Center For Human Genetics Tuebingen Variant Classification Criteria Version 2. Collection method: clinical testing. Allele origin: germline. Affected: yes. Observed: 1 variant allele.
Comment: FLG: BP4